The following is an entry in ClinVar:

ClinVar aggregate classification (germline): Uncertain significance (1 of 4 stars; one submission).

gnomAD v4.1: 1 of 1,614,154 alleles (0.000062%); highest among the groups gnomAD compares: Admixed American, 0.0017%; no homozygotes.

Submission:

Ambry Genetics
Classification: Uncertain significance. Last evaluated: 2025-12-30. Review status: criteria provided, single submitter. Criteria: Ambry Variant Classification Scheme 2023. Collection method: clinical testing. Allele origin: germline.
Comment: The c.859G>A (p.G287S) alteration is located in exon 7 (coding exon 7) of the ACAT2 gene. This alteration results from a G to A substitution at nucleotide position 859, causing the glycine (G) at amino acid position 287 to be replaced by a serine (S). Based on data from gnomAD, the A allele has an overall frequency of <0.001% (1/251326) total alleles studied. The highest observed frequency was 0.003% (1/34576) of Latino alleles. Based on insufficient or conflicting evidence, the clinical significance of this alteration remains unclear.

NM_005891.3(ACAT2):c.859G>A (p.Gly287Ser)

Gene: ACAT2 (acetyl-CoA acetyltransferase 2; plus strand). Cytogenetic location: 6q25.3.
Variant type: single nucleotide variant.
Coding change: c.859G>A on transcript NM_005891.3 (MANE Select); coding-DNA position 859, G replaced by A.
Protein change: p.Gly287Ser; replaces glycine 287 with serine.
Molecular consequence: missense variant.
Genome position (GRCh38, 1-based): chr6:159,777,403, G>A. VCF-style: chr6-159777403-G-A. GRCh37 (hg19) VCF-style: chr6-160198435-G-A.
Other names: c.946G>A, p.Gly316Ser (NM_001303253.1); short protein forms G316S, G287S.
Identifiers: ClinVar variation 3135845 (VCV003135845.2), dbSNP rs1250435300, ClinGen allele CA366314539.